The following is an entry in ClinVar:

NM_000540.3(RYR1):c.13782del (p.Gly4595fs)

Gene: RYR1 (ryanodine receptor 1; plus strand). Cytogenetic location: 19q13.2.
Variant type: Deletion.
Coding change: c.13782del on transcript NM_000540.3 (MANE Select); coding-DNA position 13782, one base deleted (A; older notation c.13782delA).
Protein change: p.Gly4595fs; shifts the reading frame from glycine 4595.
Molecular consequence: frameshift variant.
Genome position (GRCh38, 1-based): chr19:38,572,054, A deleted; the last of 2 consecutive A bases (chr19:38,572,053-38,572,054); deleting either gives the same sequence. VCF-style (leftmost placement, unchanged base first): chr19-38572052-GA-G. GRCh37 (hg19) VCF-style: chr19-39062692-GA-G.
Other names: c.13782delA (NM_000540.2); c.13767del, p.Gly4590fs (NM_001042723.2); short protein forms G4590fs, G4595fs.
Identifiers: ClinVar variation 544374 (VCV000544374.7), dbSNP rs1555801850, ClinGen allele CA658799219.

ClinVar aggregate classification (germline): Pathogenic (1 of 4 stars; one submission).

Conditions:
RYR1-related disorder. Also called: RYR1-related condition; RYR1-related disorders. Identifiers: MedGen CN239331.

Submission:

Labcorp Genetics (formerly Invitae), Labcorp
Classification: Pathogenic for RYR1-related disorder. Last evaluated: 2025-07-22. Review status: criteria provided, single submitter. Criteria: Invitae Variant Classification Sherloc (09022015). Collection method: clinical testing. Allele origin: germline.
Comment: This sequence change creates a premature translational stop signal (p.Gly4595Alafs*53) in the RYR1 gene. It is expected to result in an absent or disrupted protein product. Loss-of-function variants in RYR1 are known to be pathogenic (PMID: 23919265, 25960145, 28818389, 30611313). This variant is not present in population databases (gnomAD no frequency). This variant has not been reported in the literature in individuals affected with RYR1-related conditions. ClinVar contains an entry for this variant (Variation ID: 544374). For these reasons, this variant has been classified as Pathogenic.

Literature cited by the submitters: PubMed 23919265; PubMed 25960145; PubMed 28818389; PubMed 30611313.